The following is an entry in ClinVar:

ClinVar aggregate classification (germline): Pathogenic (1 of 4 stars; one submission).

Conditions:
Cobalamin C disease. Also called: Methylmalonic aciduria and homocystinuria, Vitamin B12-responsive; Vitamin B12 metabolic defect with combined deficiency of methylmalonyl-CoA mutase and homocysteine:methyltetrahydrofolate methyltransferase; methylmalonic aciduria and homocystinuria type cblC; Methylmalonic aciduria with homocystinuria cblC type; Cobalamin-C methylmalonic acidemia and homocystinuria; Methylmalonic acidemia and homocystinuria cblC type. Identifiers: Orphanet 26, Orphanet 79282, MedGen C1848561, MONDO:0010184, OMIM 277400.

Submission:

Labcorp Genetics (formerly Invitae), Labcorp
Classification: Pathogenic for Cobalamin C disease. Last evaluated: 2023-11-10. Review status: criteria provided, single submitter. Criteria: Invitae Variant Classification Sherloc (09022015). Collection method: clinical testing. Allele origin: germline.
Comment: This sequence change affects a donor splice site in intron 1 of the MMACHC gene. It is expected to disrupt RNA splicing. Variants that disrupt the donor or acceptor splice site typically lead to a loss of protein function (PMID: 16199547), and loss-of-function variants in MMACHC are known to be pathogenic (PMID: 16311595). This variant is present in population databases (rs745366624, gnomAD 0.004%). Disruption of this splice site has been observed in individuals with methylmalonic aciduria and homocystinuria (PMID: 16311595, 19760748, 26979128; Invitae). ClinVar contains an entry for this variant (Variation ID: 2024522). Algorithms developed to predict the effect of sequence changes on RNA splicing suggest that this variant may disrupt the consensus splice site. For these reasons, this variant has been classified as Pathogenic.

Literature cited by the submitters: PubMed 16199547; PubMed 16311595; PubMed 19760748; PubMed 26979128.

NM_015506.3(MMACHC):c.81+1G>T

Gene: MMACHC (metabolism of cobalamin associated C; plus strand). Cytogenetic location: 1p34.1.
Variant type: single nucleotide variant.
Coding change: c.81+1G>T on transcript NM_015506.3 (MANE Select); the canonical splice donor site of the intron after coding-DNA position 81, G replaced by T.
Molecular consequence: splice donor variant.
Genome position (GRCh38, 1-based): chr1:45,500,414, G>T. VCF-style: chr1-45500414-G-T. GRCh37 (hg19) VCF-style: chr1-45966086-G-T.
Other names: c.-142+1G>T (NM_001330540.2).
Identifiers: ClinVar variation 2024522 (VCV002024522.4), dbSNP rs745366624, ClinGen allele CA827622.